The following is an entry in ClinVar:

NM_001009944.3(PKD1):c.5703C>T (p.Pro1901=)

Gene: PKD1 (polycystin 1, transient receptor potential channel interacting; minus strand). Cytogenetic location: 16p13.3.
Variant type: single nucleotide variant.
Coding change: c.5703C>T on transcript NM_001009944.3 (MANE Select); coding-DNA position 5703, C replaced by T.
Protein change: p.Pro1901=; no amino-acid change (proline 1901 retained).
Molecular consequence: synonymous variant.
Genome position (GRCh38, 1-based): chr16:2,109,464, G>A on the plus strand (C>T on the coding strand, the complement: PKD1 is on the minus strand). VCF-style: chr16-2109464-G-A. GRCh37 (hg19) VCF-style: chr16-2159465-G-A.
Other names: c.5703C>T, p.Pro1901= (NM_000296.4); c.5703C>T (NM_001009944.2).
Identifiers: ClinVar variation 440119 (VCV000440119.12), dbSNP rs773475991, ClinGen allele CA7831891.

ClinVar aggregate classification (germline): Likely benign. Review status: criteria provided, multiple submitters, no conflicts (2 of 4 stars). 4 submissions from 4 submitters: Likely benign (3). 1 of the submissions does not count toward it. Last evaluated 2026-09-01.

Conditions:
PKD1-related disorder. Also called: PKD1-related condition.
Polycystic kidney disease, adult type (PKD1). Also called: POLYCYSTIC KIDNEY DISEASE, ADULT, TYPE I; Polycystic Kidney, Autosomal Dominant; POLYCYSTIC KIDNEY DISEASE 1 WITH OR WITHOUT POLYCYSTIC LIVER DISEASE; Polycystic Kidney Disease 1, Autosomal Dominant; Polycystic kidney disease 1; Polycystic kidney disease 1, severe. Identifiers: MedGen C3149841, MONDO:0008263, OMIM 173900.

Allele frequency attached by ClinVar (database versions not stated): ExAC 0.00001; gnomAD exomes 0.00001 and 0.00002; gnomAD 0.00006; TOPMed 0.00006.
gnomAD v4.1: 33 of 1,608,020 alleles (0.0021%); highest among the groups gnomAD compares: South Asian, 0.0066%; no homozygotes.

Submissions (4):

CeGaT Center for Human Genetics Tuebingen
Classification: Likely benign. Last evaluated: 2026-09-01. Review status: criteria provided, single submitter. Criteria: CeGaT Center For Human Genetics Tuebingen Variant Classification Criteria Version 2. Collection method: clinical testing. Allele origin: germline. Affected: yes. Observed: 1 variant allele.
Comment: PKD1: BP4, BP7

Department of Pathology and Laboratory Medicine, Sinai Health System
Classification: Likely benign for Polycystic kidney disease, adult type. Last evaluated: 2023-06-23. Review status: criteria provided, single submitter. Criteria: ACMG Guidelines, 2015. Collection method: clinical testing. Allele origin: germline. Affected: yes.

ARUP Laboratories, Molecular Genetics and Genomics, ARUP Laboratories
Classification: Likely benign. Last evaluated: 2017-01-06. Review status: criteria provided, single submitter. Criteria: ARUP Molecular Germline Variant Investigation Process. Collection method: clinical testing. Allele origin: germline.

PreventionGenetics, part of Exact Sciences
Classification: Likely benign for PKD1-related condition. Last evaluated: 2021-05-11. Review status: no assertion criteria provided. Collection method: clinical testing. Allele origin: germline. Not counted in ClinVar's aggregate classification.
Comment: This variant is classified as likely benign based on ACMG/AMP sequence variant interpretation guidelines (Richards et al. 2015 PMID: 25741868, with internal and published modifications).